The following is an entry in ClinVar:

NM_001001548.3(CD36):c.1416_*1del (p.Lys472fs)

Gene: CD36 (CD36 molecule (CD36 blood group); plus strand). Cytogenetic location: 7q21.11.
Variant type: Microsatellite.
Coding change: c.1416_*1del on transcript NM_001001548.3 (MANE Select); coding-DNA position 1416 through 1 bases downstream of the stop codon, 5 bases deleted (AATAA; older notation c.1416_*1delAATAA).
Protein change: p.Lys472fs; shifts the reading frame from lysine 472.
Molecular consequence: frameshift variant. On other transcripts: non-coding transcript variant (1).
Genome position (GRCh38, 1-based): chr7:80,674,143-80,674,147, AATAA deleted; deleting any 5 consecutive bases within chr7:80,674,138-80,674,147 gives the same sequence; the c. name uses the placement nearest the transcript's 3' end. VCF-style (leftmost placement, unchanged base first): chr7-80674137-CAATAA-C. GRCh37 (hg19) VCF-style: chr7-80303453-CAATAA-C.
Other names: c.1415_1419del, p.Lys472fs (NM_000072.3, NM_001001547.3, NM_001127443.2 and 3 more transcripts); c.1298_1302del, p.Lys433fs (NM_001289908.1); c.1235_1239del, p.Lys412fs (NM_001289909.1); c.1187_1191del, p.Lys396fs (NM_001289911.2); c.1416_*1del, p.Lys472fs (NM_001371075.1, NM_001371077.1); c.1313_1317del, p.Lys438fs (NM_001371079.1); c.950_954del, p.Lys317fs (NM_001371080.1, NM_001371081.1); c.1415_1419delAATAA (NM_001001547.3); short protein forms K433fs, K438fs, K396fs, K317fs, K412fs, K472fs.
Identifiers: ClinVar variation 692066 (VCV000692066.4), dbSNP rs771061715, ClinGen allele CA4315846.

ClinVar aggregate classification (germline): Conflicting classifications of pathogenicity. Review status: criteria provided, conflicting classifications (1 of 4 stars). 2 submissions from 2 submitters: Likely pathogenic (1); Uncertain significance (1). Last evaluated 2024-01-12.

Conditions:
Platelet-type bleeding disorder 10. Also called: CD36 DEFICIENCY. Identifiers: MedGen C1842090, MONDO:0012031, OMIM 608404.

Submissions (2):

Women's Health and Genetics/Laboratory Corporation of America, LabCorp
Classification: Uncertain significance. Last evaluated: 2024-01-12. Review status: criteria provided, single submitter. Criteria: LabCorp Variant Classification Summary - May 2015. Collection method: clinical testing. Allele origin: germline.
Comment: Variant summary: CD36 c.1415_1419delAATAA (p.Lys472SerfsX35) causes a stop loss which results in an extension of the protein. The variant allele was found at a frequency of 0.00038 in 249090 control chromosomes in the gnomAD database, including 1 homozygotes. To our knowledge, no occurrence of c.1415_1419delAATAA in individuals affected with CD36-Related Disorders and no experimental evidence demonstrating its impact on protein function have been reported. ClinVar contains an entry for this variant (Variation ID: 692066). Based on the unknown impact of this variant, it has been classified as uncertain significance.

Rady Children's Institute for Genomic Medicine, Rady Children's Hospital San Diego
Classification: Likely pathogenic for PLATELET GLYCOPROTEIN IV DEFICIENCY. Last evaluated: 2018-12-21. Review status: criteria provided, single submitter. Criteria: ACMG Guidelines, 2015. Collection method: clinical testing. Allele origin: germline. Affected: yes. Observed: 1 variant allele.
Comment: This nonsense/frameshift mutation is found in the last exon of CD36 and the functional consequence of this variant is therefore difficult to predict. This variant has not been previously reported or functionally characterized in the literature to our knowledge. It is present in the heterozygous state in the gnomAD population database at a frequency of 0.04% (99/274816). This allele frequency is in keeping with high overall prevalence of CD36 deficiency in African and certain other populations. Based on the available evidence, the c.1415_1419del (p.Lys472SerfsTer35) variant is classified as likely pathogenic.